The following is an entry in ClinVar:

NM_144573.4(NEXN):c.1251+1G>A

Gene: NEXN (nexilin F-actin binding protein; plus strand). Cytogenetic location: 1p31.1.
Variant type: single nucleotide variant.
Coding change: c.1251+1G>A on transcript NM_144573.4 (MANE Select); the canonical splice donor site of the intron after coding-DNA position 1251, G replaced by A.
Molecular consequence: splice donor variant.
Genome position (GRCh38, 1-based): chr1:77,933,480, G>A. VCF-style: chr1-77933480-G-A. GRCh37 (hg19) VCF-style: chr1-78399165-G-A.
Other names: c.1059+1G>A (NM_001172309.2).
Identifiers: ClinVar variation 1699205 (VCV001699205.3), dbSNP rs1650474978, ClinGen allele CA340877289.

ClinVar aggregate classification (germline): Uncertain significance (1 of 4 stars; one submission).

Conditions:
Cardiomyopathy (CMYO). Also called: Cardiomyopathies. Identifiers: Orphanet 167848, MedGen C0878544, MONDO:0004994, HP:0001638. Inheritance: Various modes of inheritance.

Submission:

Victorian Clinical Genetics Services, Murdoch Childrens Research Institute
Classification: Uncertain significance for Cardiomyopathy. Last evaluated: 2020-05-25. Review status: criteria provided, single submitter. Criteria: ACMG Guidelines, 2015. Collection method: clinical testing. Allele origin: germline. Inheritance: Autosomal dominant inheritance.
Comment: Based on the classification scheme VCGS_Germline_v1.1.1, this variant is classified as 3A-VUS. Following criteria are met: 0102 - Loss-of-function is a known mechanism of disease for this gene. (N) 0107 - This gene is known to be associated with autosomal dominant disease. (N) 0211 - Canonical splice site variant without proven consequence on splicing (no functional evidence available) (intron 10). (P) 0251 - Variant is heterozygous. (N) 0301 - Variant is absent from gnomAD. (P) 0505 - Abnormal splicing is predicted by in silico tools and the affected nucleotide is highly conserved. (P) 0705 - No comparable variants have previous evidence for pathogenicity. (N) 0807 - Variant has not previously been reported in a clinical context. (N) 0905 - No segregation evidence has been identified for this variant. (N) 1007 - No published functional evidence has been identified for this variant. (N) 1208 - Inheritance information for this variant is not currently available. (N) Legend: (P) - Pathogenic, (N) - Neutral, (B) - Benign